The following is an entry in ClinVar:

NM_031935.3(HMCN1):c.710G>T (p.Arg237Ile)

Gene: HMCN1 (hemicentin 1; plus strand). Cytogenetic location: 1q31.1.
Variant type: single nucleotide variant.
Coding change: c.710G>T on transcript NM_031935.3 (MANE Select); coding-DNA position 710, G replaced by T.
Protein change: p.Arg237Ile; replaces arginine 237 with isoleucine.
Molecular consequence: missense variant.
Genome position (GRCh38, 1-based): chr1:185,909,425, G>T. VCF-style: chr1-185909425-G-T. GRCh37 (hg19) VCF-style: chr1-185878557-G-T.
Other names: short protein forms R237I.
Identifiers: ClinVar variation 294098 (VCV000294098.24), dbSNP rs530178194, ClinGen allele CA1290924.
Genomic context (GRCh38, chr1:185,909,425, plus strand): 5'-AGGCCTCCAAAGTTCACCTTTTATCCACAGATCATTTGGAACAGGCTGTAAATACTTGGA[G>T]AATTCCTTTTGATCCCAGCCTGAAAGAGGTCACTGTGTCTTTGAGTGGGCCTTCTCCAAT-3'
Protein context (NP_114141.2, residues 227-247): DHLEQAVNTW[Arg237Ile]IPFDPSLKEV

ClinVar aggregate classification (germline): Benign/Likely benign. Review status: criteria provided, multiple submitters, no conflicts (2 of 4 stars). 4 submissions from 4 submitters: Benign (1); Likely benign (3). Last evaluated 2025-12-08.

Conditions:
Age related macular degeneration 1 (ARMD1). Also called: MACULOPATHY, AGE-RELATED, 1. Identifiers: MedGen C1864205, MONDO:0011285, OMIM 603075.

Allele frequency attached by ClinVar (database versions not stated): gnomAD 0.00001 and 0.00016; TOPMed 0.00005; gnomAD exomes 0.00032 and 0.00068; ExAC 0.00072; 1000 Genomes Project 0.00160; 1000 Genomes Project 30x 0.00172.
gnomAD v4.1: 506 of 1,613,532 alleles (0.031%); highest among the groups gnomAD compares: South Asian, 0.5%; 5 homozygotes.

Submissions (4):

Labcorp Genetics (formerly Invitae), Labcorp
Classification: Likely benign. Last evaluated: 2025-12-08. Review status: criteria provided, single submitter. Criteria: Invitae Variant Classification Sherloc (09022015). Collection method: clinical testing. Allele origin: germline.

CeGaT Center for Human Genetics Tuebingen
Classification: Benign. Last evaluated: 2024-09-01. Review status: criteria provided, single submitter. Criteria: CeGaT Center For Human Genetics Tuebingen Variant Classification Criteria Version 2. Collection method: clinical testing. Allele origin: germline. Affected: yes. Observed: 1 variant allele.
Comment: HMCN1: BP4, BS1, BS2

Genome-Nilou Lab
Classification: Likely benign for Age related macular degeneration 1. Last evaluated: 2023-04-11. Review status: criteria provided, single submitter. Criteria: ACMG Guidelines, 2015. Collection method: clinical testing. Allele origin: germline. Affected: no.

Illumina Laboratory Services, Illumina
Classification: Likely benign for Age related macular degeneration 1. Last evaluated: 2018-01-13. Review status: criteria provided, single submitter. Criteria: ICSL Variant Classification Criteria 13 December 2019. Collection method: clinical testing. Allele origin: germline.
Comment: This variant was observed in the ICSL laboratory as part of a predisposition screen in an ostensibly healthy population. It had not been previously curated by ICSL or reported in the Human Gene Mutation Database (HGMD: prior to June 1st, 2018), and was therefore a candidate for classification through an automated scoring system. Utilizing variant allele frequency, disease prevalence and penetrance estimates, and inheritance mode, an automated score was calculated to assess if this variant is too frequent to cause the disease. Based on the score and internal cut-off values, a variant classified as likely benign is not then subjected to further curation. The score for this variant resulted in a classification of likely benign for this disease.